The following is an entry in ClinVar:

ClinVar aggregate classification (germline): Conflicting classifications of pathogenicity. Review status: criteria provided, conflicting classifications (1 of 4 stars). 3 submissions from 3 submitters: Likely pathogenic (1); Uncertain significance (2). Last evaluated 2025-11-16.

Conditions:
Cardiovascular phenotype. Identifiers: MedGen CN230736.
Cardiomyopathy (CMYO). Also called: Cardiomyopathies. Identifiers: Orphanet 167848, MedGen C0878544, MONDO:0004994, HP:0001638. Inheritance: Various modes of inheritance.
Hypertrophic cardiomyopathy. Also called: HYPERTROPHIC MYOCARDIOPATHY. Identifiers: Orphanet 217569, MedGen C0007194, MeSH D002312, MONDO:0005045, HP:0001639.

Submissions (3):

Labcorp Genetics (formerly Invitae), Labcorp
Classification: Uncertain significance for Hypertrophic cardiomyopathy. Last evaluated: 2025-11-16. Review status: criteria provided, single submitter. Criteria: Invitae Variant Classification Sherloc (09022015). Collection method: clinical testing. Allele origin: germline.
Comment: This sequence change replaces arginine, which is basic and polar, with glycine, which is neutral and non-polar, at codon 502 of the MYBPC3 protein (p.Arg502Gly). This variant is not present in population databases (gnomAD no frequency). This missense change has been observed in individuals with hypertrophic cardiomyopathy (PMID: 24704860, 26090888, 38456273). ClinVar contains an entry for this variant (Variation ID: 1475570). An algorithm developed to predict the effect of missense changes on protein structure and function (PolyPhen-2) suggests that this variant is likely to be disruptive. This variant disrupts the p.Arg502 amino acid residue in MYBPC3. Other variant(s) that disrupt this residue have been determined to be pathogenic (PMID: 9562578, 16566405, 18403758, 18533079, 20433692, 22386539). This suggests that this residue is clinically significant, and that variants that disrupt this residue are likely to be disease-causing. In summary, the available evidence is currently insufficient to determine the role of this variant in disease. Therefore, it has been classified as a Variant of Uncertain Significance.

Color Diagnostics, LLC DBA Color Health
Classification: Uncertain significance for Cardiomyopathy. Last evaluated: 2024-02-25. Review status: criteria provided, single submitter. Criteria: ACMG Guidelines, 2015. Collection method: clinical testing. Allele origin: germline.
Comment: This missense variant replaces arginine with glycine at codon 502 of the MYBPC3 protein. Computational prediction tools indicate that this variant has a deleterious impact on protein structure and function. To our knowledge, functional studies have not been reported for this variant. This variant has been reported in at least two individuals affected with hypertrophic cardiomyopathy (PMID: 24704860, 26090888, 33495597). This variant has not been identified in the general population by the Genome Aggregation Database (gnomAD). Different variants affecting the same codon, p.Arg502Trp and p.Arg502Gln, are considered to be disease-causing (ClinVar variation ID: 42540, 42541), suggesting that arginine at this position is important for MYBPC3 protein function. The available evidence is insufficient to determine the role of this variant in disease conclusively. Therefore, this variant is classified as a Variant of Uncertain Significance.

Ambry Genetics
Classification: Likely pathogenic for Cardiovascular phenotype. Last evaluated: 2022-12-01. Review status: criteria provided, single submitter. Criteria: Ambry Variant Classification Scheme 2023. Collection method: clinical testing. Allele origin: germline.
Comment: The p.R502G variant (also known as c.1504C>G), located in coding exon 17 of the MYBPC3 gene, results from a C to G substitution at nucleotide position 1504. The arginine at codon 502 is replaced by glycine, an amino acid with dissimilar properties. This alteration has been reported in individuals with hypertrophic cardiomyopathy (HCM) (Liu X et al. Sci Rep, 2015 Jun;5:11411; Harper AR et al. Nat Genet, 2021 Feb;53:135-142; Ambry internal data). Two other alterations at the same codon, p.R502Q (c.1505G>A) and p.R502W (c.1504C>T), have been detected in multiple unrelated patients with HCM, including individuals with pediatric and adult-onset HCM, and has been reported to segregate with disease in families (Nimura etal. N Engl J Med. 1998;338:1248-1257; Richard P et al. Circulation. 2003;107(17):2227-32; Cardmin N etal. Rev Port Cardiol. 2005;24:1463-147; Van Driest SL et al. J Am Coll Cardiol. 2004;44(9):1903-10; Rudzinski T etal. Kardiol Pol. 2008;66:821-825; Saltzman AJ et al. Circ Res. 2010;106(9):1549-52; Kaski JP et al. Circ Cardiovasc Genet. 2012;5(3):317-26; Otsuka H et al. Circ. J. 2012;76(2):453-61; Maurizi N et al. JAMA Cardiol. 2018;3(6):520-525). This variant is considered to be rare based on population cohorts in the Genome Aggregation Database (gnomAD). This amino acid position is highly conserved in available vertebrate species. In addition, this alteration is predicted to be deleterious by in silico analysis. Based on the majority of available evidence to date, this variant is likely to be pathogenic.

Literature cited by the submitters: PubMed 24704860 (cited by Labcorp Genetics (formerly Invitae), Labcorp and Color Diagnostics, LLC DBA Color Health); PubMed 26090888 (cited by 3 submitters); PubMed 38456273 (cited by Labcorp Genetics (formerly Invitae), Labcorp); PubMed 9562578 (cited by Labcorp Genetics (formerly Invitae), Labcorp); PubMed 16566405 (cited by Labcorp Genetics (formerly Invitae), Labcorp); PubMed 18403758 (cited by Labcorp Genetics (formerly Invitae), Labcorp); PubMed 18533079 (cited by Labcorp Genetics (formerly Invitae), Labcorp); PubMed 20433692 (cited by Labcorp Genetics (formerly Invitae), Labcorp); PubMed 22386539 (cited by Labcorp Genetics (formerly Invitae), Labcorp); PubMed 33495597 (cited by Color Diagnostics, LLC DBA Color Health and Ambry Genetics).

NM_000256.3(MYBPC3):c.1504C>G (p.Arg502Gly)

Gene: MYBPC3 (myosin binding protein C3; minus strand). Cytogenetic location: 11p11.2.
Variant type: single nucleotide variant.
Coding change: c.1504C>G on transcript NM_000256.3 (MANE Select); coding-DNA position 1504, C replaced by G.
Protein change: p.Arg502Gly; replaces arginine 502 with glycine.
Molecular consequence: missense variant.
Genome position (GRCh38, 1-based): chr11:47,342,698, G>C on the plus strand (C>G on the coding strand, the complement: MYBPC3 is on the minus strand). VCF-style: chr11-47342698-G-C. GRCh37 (hg19) VCF-style: chr11-47364249-G-C.
Other names: short protein forms R502G.
Identifiers: ClinVar variation 1475570 (VCV001475570.11), dbSNP rs375882485, ClinGen allele CA380325222.